The following is an entry in ClinVar:

NM_016507.4(CDK12):c.1645C>T (p.Pro549Ser)

Gene: CDK12 (cyclin dependent kinase 12; plus strand). Cytogenetic location: 17q12.
Variant type: single nucleotide variant.
Coding change: c.1645C>T on transcript NM_016507.4 (MANE Select); coding-DNA position 1645, C replaced by T.
Protein change: p.Pro549Ser; replaces proline 549 with serine.
Molecular consequence: missense variant.
Genome position (GRCh38, 1-based): chr17:39,471,477, C>T. VCF-style: chr17-39471477-C-T. GRCh37 (hg19) VCF-style: chr17-37627730-C-T.
Other names: c.1645C>T, p.Pro549Ser (NM_015083.4); short protein forms P549S.
Identifiers: ClinVar variation 4651346 (VCV004651346.1).
Genomic context (GRCh38, chr17:39,471,477, plus strand): 5'-CTTCCCACAATTGCTTCTCCCCCACCCCCTCTACCAACTACTACCCCTCCACCTCAGACA[C>T]CCCCTTTGCCACCTTTGCCTCCAATACCAGCTCTTCCACAGCAACCACCTCTGCCTCCTT-3'
Protein context (NP_057591.2, residues 539-559): LPTTTPPPQT[Pro549Ser]PLPPLPPIPA

ClinVar aggregate classification (germline): Uncertain significance (1 of 4 stars; one submission).

gnomAD v4.1: 2 of 1,613,408 alleles (0.00012%); highest among the groups gnomAD compares: Non-Finnish European, 0.00017%; no homozygotes.

Submission:

Ambry Genetics
Classification: Uncertain significance. Last evaluated: 2025-10-01. Review status: criteria provided, single submitter. Criteria: Ambry Variant Classification Scheme 2023. Collection method: clinical testing. Allele origin: germline.
Comment: The p.P549S variant (also known as c.1645C>T), located in coding exon 2 of the CDK12 gene, results from a C to T substitution at nucleotide position 1645. The proline at codon 549 is replaced by serine, an amino acid with similar properties. This amino acid position is conserved. In addition, this alteration is predicted to be tolerated by in silico analysis. Based on the available evidence, the clinical significance of this variant remains unclear.